The following is an entry in ClinVar:

NM_181332.3(NLGN4X):c.1359C>G (p.Ala453=)

Gene: NLGN4X (neuroligin 4 X-linked; minus strand). Cytogenetic location: Xp22.32.
Variant type: single nucleotide variant.
Coding change: c.1359C>G on transcript NM_181332.3 (MANE Select); coding-DNA position 1359, C replaced by G.
Protein change: p.Ala453=; no amino-acid change (alanine 453 retained).
Molecular consequence: synonymous variant.
Genome position (GRCh38, 1-based): chrX:5,903,319, G>C on the plus strand (C>G on the coding strand, the complement: NLGN4X is on the minus strand). VCF-style: chrX-5903319-G-C. GRCh37 (hg19) VCF-style: chrX-5821360-G-C.
Other names: c.1359C>G, p.Ala453= (NM_001282145.2, NM_001282146.2, NM_001441322.1 and 4 more transcripts).
Identifiers: ClinVar variation 4874118 (VCV004874118.2).

ClinVar aggregate classification (germline): Likely benign (1 of 4 stars; one submission).

Submission:

CeGaT Center for Human Genetics Tuebingen
Classification: Likely benign. Last evaluated: 2026-04-01. Review status: criteria provided, single submitter. Criteria: CeGaT Center For Human Genetics Tuebingen Variant Classification Criteria Version 2. Collection method: clinical testing. Allele origin: germline. Affected: yes. Observed: 1 variant allele.
Comment: NLGN4X: PM2:Supporting, BP4, BP7